The following is an entry in ClinVar:

ClinVar aggregate classification (germline): Conflicting classifications of pathogenicity. Review status: criteria provided, conflicting classifications (1 of 4 stars). 4 submissions from 4 submitters: Uncertain significance (1); Likely benign (2). 1 of the submissions does not count toward it. Last evaluated 2025-06-20.

Conditions:
Hereditary cancer-predisposing syndrome. Also called: Tumor predisposition; Neoplastic Syndromes, Hereditary; Hereditary Cancer Syndrome; Hereditary neoplastic syndrome. Identifiers: Orphanet 140162, MedGen C0027672, MeSH D009386, MONDO:0015356.
Hereditary breast ovarian cancer syndrome. Also called: Hereditary breast and ovarian cancer syndrome (HBOC); Hereditary breast and ovarian cancer syndrome; Hereditary breast and ovarian cancer; Hereditary breast and/or ovarian cancer syndrome; Breast and ovarian cancer; BRCA1- and BRCA2-Associated Hereditary Breast and Ovarian Cancer. Identifiers: Orphanet 145, MedGen C0677776, MeSH D061325, MONDO:0003582. Disease mechanism: loss of function.
Breast-ovarian cancer, familial, susceptibility to, 1 (BROVCA1). Also called: OVARIAN CANCER, SUSCEPTIBILITY TO; BRCA1 Hereditary Breast and Ovarian Cancer. Identifiers: Orphanet 145, MedGen C2676676, MONDO:0011450, OMIM 604370. Disease mechanism: loss of function.

Allele frequency attached by ClinVar (database versions not stated): gnomAD exomes below 0.00001; ExAC 0.00001.
gnomAD v4.1: 1 of 1,614,084 alleles (0.000062%); highest among the groups gnomAD compares: South Asian, 0.0011%; no homozygotes.

Submissions (4):

Labcorp Genetics (formerly Invitae), Labcorp
Classification: Uncertain significance for Hereditary breast ovarian cancer syndrome. Last evaluated: 2025-06-20. Review status: criteria provided, single submitter. Criteria: Invitae Variant Classification Sherloc (09022015). Collection method: clinical testing. Allele origin: germline.
Comment: This sequence change replaces valine, which is neutral and non-polar, with alanine, which is neutral and non-polar, at codon 920 of the BRCA1 protein (p.Val920Ala). This variant is present in population databases (rs80357008, gnomAD 0.0009%). This missense change has been observed in individual(s) with breast cancer (PMID: 18375895). This variant is also known as 2878T>C. ClinVar contains an entry for this variant (Variation ID: 54672). Invitae Evidence Modeling of protein sequence and biophysical properties (such as structural, functional, and spatial information, amino acid conservation, physicochemical variation, residue mobility, and thermodynamic stability) indicates that this missense variant is not expected to disrupt BRCA1 protein function with a negative predictive value of 80%. In summary, the available evidence is currently insufficient to determine the role of this variant in disease. Therefore, it has been classified as a Variant of Uncertain Significance.

Color Diagnostics, LLC DBA Color Health
Classification: Likely benign for Hereditary cancer-predisposing syndrome. Last evaluated: 2023-03-29. Review status: criteria provided, single submitter. Criteria: ACMG Guidelines, 2015. Collection method: clinical testing. Allele origin: germline.

University of Washington Department of Laboratory Medicine, University of Washington
Classification: Likely benign for Hereditary cancer-predisposing syndrome. Last evaluated: 2023-03-23. Review status: criteria provided, single submitter. Criteria: Dines et al. (Genet Med. 2020). Collection method: curation. Allele origin: germline.
Comment: Missense variant in a coldspot region where missense variants are very unlikely to be pathogenic (PMID:31911673).

BRCA1 coldspot (exon 11 using historical exon numbering). Reclassification based on statistical prior probability

Breast Cancer Information Core (BIC) (BRCA1)
Classification: Uncertain significance for Breast-ovarian cancer, familial 1. Last evaluated: 2004-11-25. Review status: no assertion criteria provided. Collection method: clinical testing. Allele origin: germline. Affected: yes. Observed: 1 variant allele. Not counted in ClinVar's aggregate classification.

Literature cited by the submitters: PubMed 18375895 (cited by Labcorp Genetics (formerly Invitae), Labcorp).

NM_007294.4(BRCA1):c.2759T>C (p.Val920Ala)

Gene: BRCA1 (BRCA1 DNA repair associated; minus strand). Cytogenetic location: 17q21.31.
Variant type: single nucleotide variant.
Coding change: c.2759T>C on transcript NM_007294.4 (MANE Select); coding-DNA position 2759, T replaced by C.
Protein change: p.Val920Ala; replaces valine 920 with alanine.
Molecular consequence: missense variant. On other transcripts: intron variant (137).
Genome position (GRCh38, 1-based): chr17:43,092,772, A>G on the plus strand (T>C on the coding strand, the complement: BRCA1 is on the minus strand). VCF-style: chr17-43092772-A-G. GRCh37 (hg19) VCF-style: chr17-41244789-A-G.
Other names: c.2615T>C, p.Val872Ala (NM_001407743.1, NM_001407744.1, NM_001407745.1 and 20 more transcripts); c.2618T>C, p.Val873Ala (NM_001407750.1, NM_001407751.1, NM_001407752.1 and 29 more transcripts); c.2546T>C, p.Val849Ala (NM_001407853.1, NM_001407894.1, NM_001407895.1 and 9 more transcripts); c.2759T>C, p.Val920Ala (NM_001407854.1, NM_001407858.1, NM_001407859.1 and 30 more transcripts); c.2756T>C, p.Val919Ala (NM_001407860.1, NM_001407861.1, NM_001407587.1 and 22 more transcripts); c.2558T>C, p.Val853Ala (NM_001407862.1); c.2636T>C, p.Val879Ala (NM_001407863.1, NM_001407919.1, NM_001407937.1 and 19 more transcripts); c.2555T>C, p.Val852Ala (NM_001407874.1, NM_001407875.1); and 41 more; short protein forms V920A, V873A, V792A, V853A, V872A, V894A, V624A, V752A.
Identifiers: ClinVar variation 54672 (VCV000054672.16), dbSNP rs80357008, ClinGen allele CA001816.
Genomic context (GRCh38, chr17:43,092,772, plus strand): 5'-TCAACTGGCTTATCTTTCTGACCAACCACAGGAAAGCCTGCAGTGATATTAACTGTCTGT[A>G]CAGGCTTGATATTAGACTCATTCTTTCCTTGATTTTCTTCCTTTTGTTCACATTCAAAAG-3'
Protein context (NP_009225.1, residues 910-930): QGKNESNIKP[Val920Ala]QTVNITAGFP